The following is an entry in ClinVar:

NM_000392.5(ABCC2):c.3563T>A (p.Val1188Glu)

Gene: ABCC2 (ATP binding cassette subfamily C member 2; plus strand). Cytogenetic location: 10q24.2.
Variant type: single nucleotide variant.
Coding change: c.3563T>A on transcript NM_000392.5 (MANE Select); coding-DNA position 3563, T replaced by A.
Protein change: p.Val1188Glu; replaces valine 1188 with glutamic acid.
Molecular consequence: missense variant.
Genome position (GRCh38, 1-based): chr10:99,836,239, T>A. VCF-style: chr10-99836239-T-A. GRCh37 (hg19) VCF-style: chr10-101595996-T-A.
Other names: c.3563T>A, p.Val1188Glu (LRG_1208t1); short protein forms V1188E.
Identifiers: ClinVar variation 298467 (VCV000298467.14), dbSNP rs17222723, ClinGen allele CA5643849.

ClinVar aggregate classification (germline): Benign/Likely benign. Review status: criteria provided, multiple submitters, no conflicts (2 of 4 stars). 6 submissions from 6 submitters: Benign (4); Likely benign (1). 1 of the submissions does not count toward it. Last evaluated 2026-02-04.

Conditions:
Dubin-Johnson syndrome (DJS). Also called: HYPERBILIRUBINEMIA, DUBIN-JOHNSON TYPE; Jaundice, Chronic Idiopathic; Hyperbilirubinemia type 2. Identifiers: Orphanet 234, MedGen C0022350, MONDO:0009380, OMIM 237500.
ABCC2-related disorder. Also called: ABCC2-related condition.

Allele frequency attached by ClinVar (database versions not stated): 1000 Genomes Project 0.03734; ExAC 0.04301; gnomAD exomes 0.04527 and 0.05284; gnomAD 0.05396 and 0.05531; TOPMed 0.05856; ESP Exome Variant Server 0.06097.
gnomAD v4.1: 85,903 of 1,613,986 alleles (5.3%); highest among the groups gnomAD compares: Middle Eastern, 13%; 2,596 homozygotes.

Submissions (6):

Labcorp Genetics (formerly Invitae), Labcorp
Classification: Benign. Last evaluated: 2026-02-04. Review status: criteria provided, single submitter. Criteria: Invitae Variant Classification Sherloc (09022015). Collection method: clinical testing. Allele origin: germline.

Mayo Clinic Laboratories, Mayo Clinic
Classification: Likely benign. Last evaluated: 2025-07-23. Review status: criteria provided, single submitter. Criteria: ACMG Guidelines, 2015. Collection method: clinical testing. Allele origin: germline. Observed: 50 variant alleles.

GeneDx
Classification: Benign. Last evaluated: 2018-11-10. Review status: criteria provided, single submitter. Criteria: GeneDx Variant Classification Process June 2021. Collection method: clinical testing. Allele origin: germline. Affected: yes.
Comment: This variant is associated with the following publications: (PMID: 25087612, 18926681, 16628674)

Illumina Laboratory Services, Illumina
Classification: Benign for Dubin-Johnson syndrome. Last evaluated: 2018-03-06. Review status: criteria provided, single submitter. Criteria: ICSL Variant Classification Criteria 13 December 2019. Collection method: clinical testing. Allele origin: germline.
Comment: This variant was observed in the ICSL laboratory as part of a predisposition screen in an ostensibly healthy population. It had not been previously curated by ICSL or reported in the Human Gene Mutation Database (HGMD: prior to June 1st, 2018), and was therefore a candidate for classification through an automated scoring system. Utilizing variant allele frequency, disease prevalence and penetrance estimates, and inheritance mode, an automated score was calculated to assess if this variant is too frequent to cause the disease. Based on the score and internal cut-off values, a variant classified as benign is not then subjected to further curation. The score for this variant resulted in a classification of benign for this disease.

Breakthrough Genomics
Classification: Benign. Review status: criteria provided, single submitter. Criteria: ACMG Guidelines, 2015. Collection method: not provided. Allele origin: germline. Inheritance: Autosomal recessive inheritance. Affected: yes.

PreventionGenetics, part of Exact Sciences
Classification: Benign for ABCC2-related condition. Last evaluated: 2024-03-06. Review status: no assertion criteria provided. Collection method: clinical testing. Allele origin: germline. Not counted in ClinVar's aggregate classification.
Comment: This variant is classified as benign based on ACMG/AMP sequence variant interpretation guidelines (Richards et al. 2015 PMID: 25741868, with internal and published modifications).